The following is an entry in ClinVar:

ClinVar aggregate classification (germline): Uncertain significance (1 of 4 stars; one submission).

gnomAD v4.1: 5 of 1,612,402 alleles (0.00031%); highest among the groups gnomAD compares: Non-Finnish European, 0.00042%; no homozygotes.

Submission:

Labcorp Genetics (formerly Invitae), Labcorp
Classification: Uncertain significance. Last evaluated: 2025-09-02. Review status: criteria provided, single submitter. Criteria: Invitae Variant Classification Sherloc (09022015). Collection method: clinical testing. Allele origin: germline.
Comment: This sequence change falls in intron 5 of the CASQ1 gene. It does not directly change the encoded amino acid sequence of the CASQ1 protein. It affects a nucleotide within the consensus splice site. This variant is not present in population databases (gnomAD no frequency). This variant has not been reported in the literature in individuals affected with CASQ1-related conditions. ClinVar contains an entry for this variant (Variation ID: 3682222). Variants that disrupt the consensus splice site are a relatively common cause of aberrant splicing (PMID: 17576681, 9536098). Algorithms developed to predict the effect of sequence changes on RNA splicing suggest that this variant is not likely to affect RNA splicing. In summary, the available evidence is currently insufficient to determine the role of this variant in disease. Therefore, it has been classified as a Variant of Uncertain Significance.

Literature cited by the submitters: PubMed 17576681; PubMed 9536098.

NM_001231.5(CASQ1):c.651+4C>T

Gene: CASQ1 (calsequestrin 1; plus strand). Cytogenetic location: 1q23.2.
Variant type: single nucleotide variant.
Coding change: c.651+4C>T on transcript NM_001231.5 (MANE Select); 4 bases into the intron after coding-DNA position 651, C replaced by T.
Molecular consequence: intron variant.
Genome position (GRCh38, 1-based): chr1:160,195,538, C>T. VCF-style: chr1-160195538-C-T. GRCh37 (hg19) VCF-style: chr1-160165328-C-T.
Identifiers: ClinVar variation 3682222 (VCV003682222.2).
Genomic context (GRCh38, chr1:160,195,538, plus strand): 5'-GATGCAGCTGAGGAGTTTCATCCCTACATCCCCTTCTTCGCCACCTTCGACAGCAAGGTT[C>T]TCCTCCCCGCAGCTGTATTGGTTCTGCCTCATGTCCTGAAGCTGTCCTCCAGTTTCCTCT-3'